The following is an entry in ClinVar:

NM_019842.4(KCNQ5):c.2261T>G (p.Leu754Arg)

Gene: KCNQ5 (potassium voltage-gated channel subfamily Q member 5; plus strand). Cytogenetic location: 6q13.
Variant type: single nucleotide variant.
Coding change: c.2261T>G on transcript NM_019842.4 (MANE Select); coding-DNA position 2261, T replaced by G.
Protein change: p.Leu754Arg; replaces leucine 754 with arginine.
Molecular consequence: missense variant.
Genome position (GRCh38, 1-based): chr6:73,194,876, T>G. VCF-style: chr6-73194876-T-G. GRCh37 (hg19) VCF-style: chr6-73904599-T-G.
Other names: c.2234T>G, p.Leu745Arg (NM_001160130.2); c.2291T>G, p.Leu764Arg (NM_001160132.2); c.2318T>G, p.Leu773Arg (NM_001160133.2); c.1931T>G, p.Leu644Arg (NM_001160134.2); short protein forms L644R, L745R, L754R, L764R, L773R.
Identifiers: ClinVar variation 1716995 (VCV001716995.5), dbSNP rs1245116532, ClinGen allele CA364695589.

ClinVar aggregate classification (germline): Uncertain significance (1 of 4 stars; one submission).

Submission:

Labcorp Genetics (formerly Invitae), Labcorp
Classification: Uncertain significance. Last evaluated: 2024-12-28. Review status: criteria provided, single submitter. Criteria: Invitae Variant Classification Sherloc (09022015). Collection method: clinical testing. Allele origin: germline.
Comment: This sequence change replaces leucine, which is neutral and non-polar, with arginine, which is basic and polar, at codon 773 of the KCNQ5 protein (p.Leu773Arg). This variant is not present in population databases (gnomAD no frequency). This variant has not been reported in the literature in individuals affected with KCNQ5-related conditions. ClinVar contains an entry for this variant (Variation ID: 1716995). Invitae Evidence Modeling of protein sequence and biophysical properties (such as structural, functional, and spatial information, amino acid conservation, physicochemical variation, residue mobility, and thermodynamic stability) indicates that this missense variant is not expected to disrupt KCNQ5 protein function with a negative predictive value of 95%. In summary, the available evidence is currently insufficient to determine the role of this variant in disease. Therefore, it has been classified as a Variant of Uncertain Significance.